The following is an entry in ClinVar:

NM_001308210.2(TSHZ1):c.281G>T (p.Arg94Leu)

Gene: TSHZ1 (teashirt zinc finger homeobox 1; plus strand). Cytogenetic location: 18q22.3.
Variant type: single nucleotide variant.
Coding change: c.281G>T on transcript NM_001308210.2 (MANE Select); coding-DNA position 281, G replaced by T.
Protein change: p.Arg94Leu; replaces arginine 94 with leucine.
Molecular consequence: missense variant.
Genome position (GRCh38, 1-based): chr18:75,285,688, G>T. VCF-style: chr18-75285688-G-T. GRCh37 (hg19) VCF-style: chr18-72997643-G-T.
Other names: c.146G>T, p.Arg49Leu (NM_005786.6); short protein forms R49L, R94L.
Identifiers: ClinVar variation 3344332 (VCV003344332.1).

ClinVar aggregate classification (germline): Uncertain significance (0 of 4 stars; one submission).

Conditions:
TSHZ1-related disorder. Also called: TSHZ1-related condition.

Submission:

PreventionGenetics, part of Exact Sciences
Classification: Uncertain significance for TSHZ1-related condition. Last evaluated: 2024-06-04. Review status: no assertion criteria provided. Collection method: clinical testing. Allele origin: germline.
Comment: The TSHZ1 c.146G>T variant is predicted to result in the amino acid substitution p.Arg49Leu. To our knowledge, this variant has not been reported in the literature or in a large population database, indicating this variant is rare. At this time, the clinical significance of this variant is uncertain due to the absence of conclusive functional and genetic evidence.